The following is an entry in ClinVar:

NM_053280.5(CIMAP1A):c.495C>G (p.Gly165=)

Gene: CIMAP1A (ciliary microtubule associated protein 1A; plus strand). Cytogenetic location: 11p15.5.
Variant type: single nucleotide variant.
Coding change: c.495C>G on transcript NM_053280.5 (MANE Select); coding-DNA position 495, C replaced by G.
Protein change: p.Gly165=; no amino-acid change (glycine 165 retained).
Molecular consequence: synonymous variant.
Genome position (GRCh38, 1-based): chr11:198,546, C>G. VCF-style: chr11-198546-C-G. GRCh37 (hg19) VCF-style: chr11-198546-C-G.
Other names: c.495C>G, p.Gly165= (NM_001286136.2).
Identifiers: ClinVar variation 2641036 (VCV002641036.24), dbSNP rs144673365, ClinGen allele CA5769950.
Genomic context (GRCh38, chr11:198,546, plus strand): 5'-CATGGTAATGGGGCCCAATACCGTCGGCAAGGCCTCCCAGCCCTCCTTTTCCATCAAGGG[C>G]CGCAGCAAGCTGGGCGGCTTCAGCGACGACCTACACAAGGCAAGGGCCACCCCAACTGAG-3'
Protein context (NP_444510.2, residues 155-175): KASQPSFSIK[Gly165=]RSKLGGFSDD

ClinVar aggregate classification (germline): Likely benign (1 of 4 stars; one submission).

Allele frequency attached by ClinVar (database versions not stated): ESP Exome Variant Server 0.00008; TOPMed 0.00010; gnomAD 0.00011.
gnomAD v4.1: 229 of 1,612,474 alleles (0.014%); highest among the groups gnomAD compares: South Asian, 0.079%; no homozygotes.

Submission:

CeGaT Center for Human Genetics Tuebingen
Classification: Likely benign. Last evaluated: 2022-11-01. Review status: criteria provided, single submitter. Criteria: CeGaT Center For Human Genetics Tuebingen Variant Classification Criteria Version 2. Collection method: clinical testing. Allele origin: germline. Affected: yes. Observed: 1 variant allele.
Comment: CIMAP1A: BP4, BP7